The following is an entry in ClinVar:

ClinVar aggregate classification (germline): Uncertain significance (1 of 4 stars; one submission).

Conditions:
Bethlem myopathy 1A. Also called: Bethlem myopathy 1; Bethlem Muscular Dystrophy; MYOPATHY, BENIGN CONGENITAL, WITH CONTRACTURES. Identifiers: Orphanet 610, MedGen CN029274, MONDO:0024530, OMIM 158810.

Allele frequency attached by ClinVar (database versions not stated): gnomAD exomes below 0.00001.
gnomAD v4.1: 1 of 1,612,728 alleles (0.000062%); highest among the groups gnomAD compares: African/African-American, 0.0013%; no homozygotes.

Submission:

Labcorp Genetics (formerly Invitae), Labcorp
Classification: Uncertain significance for Bethlem myopathy 1A. Last evaluated: 2023-10-18. Review status: criteria provided, single submitter. Criteria: Invitae Variant Classification Sherloc (09022015). Collection method: clinical testing. Allele origin: germline.
Comment: This sequence change replaces proline, which is neutral and non-polar, with arginine, which is basic and polar, at codon 530 of the COL6A2 protein (p.Pro530Arg). This variant is not present in population databases (gnomAD no frequency). This variant has not been reported in the literature in individuals affected with COL6A2-related conditions. Advanced modeling of protein sequence and biophysical properties (such as structural, functional, and spatial information, amino acid conservation, physicochemical variation, residue mobility, and thermodynamic stability) performed at Invitae indicates that this missense variant is not expected to disrupt COL6A2 protein function. In summary, the available evidence is currently insufficient to determine the role of this variant in disease. Therefore, it has been classified as a Variant of Uncertain Significance.

NM_001849.4(COL6A2):c.1589C>G (p.Pro530Arg)

Gene: COL6A2 (collagen type VI alpha 2 chain; plus strand). Cytogenetic location: 21q22.3.
Variant type: single nucleotide variant.
Coding change: c.1589C>G on transcript NM_001849.4 (MANE Select); coding-DNA position 1589, C replaced by G.
Protein change: p.Pro530Arg; replaces proline 530 with arginine.
Molecular consequence: missense variant.
Genome position (GRCh38, 1-based): chr21:46,122,512, C>G. VCF-style: chr21-46122512-C-G. GRCh37 (hg19) VCF-style: chr21-47542426-C-G.
Other names: c.1589C>G, p.Pro530Arg (NM_058174.3, NM_058175.3); short protein forms P530R.
Identifiers: ClinVar variation 2764120 (VCV002764120.3), dbSNP rs2078582492, ClinGen allele CA410534046.